The following is an entry in ClinVar:

ClinVar aggregate classification (germline): Pathogenic (1 of 4 stars; one submission).

Conditions:
Neurofibromatosis, type 1 (NF1). Also called: Peripheral type neurofibromatosis; NEUROFIBROMATOSIS, TYPE I, SOMATIC; Neurofibromatosis, type I; VON RECKLINGHAUSEN DISEASE. Identifiers: Orphanet 636, MedGen C0027831, MONDO:0018975, OMIM 162200. Disease mechanism: loss of function.

Submission:

Labcorp Genetics (formerly Invitae), Labcorp
Classification: Pathogenic for Neurofibromatosis, type 1. Last evaluated: 2023-01-02. Review status: criteria provided, single submitter. Criteria: Invitae Variant Classification Sherloc (09022015). Collection method: clinical testing. Allele origin: germline.
Comment: For these reasons, this variant has been classified as Pathogenic. This variant has not been reported in the literature in individuals affected with NF1-related conditions. This variant is not present in population databases (gnomAD no frequency). This sequence change creates a premature translational stop signal (p.Val212Glnfs*3) in the NF1 gene. It is expected to result in an absent or disrupted protein product. Loss-of-function variants in NF1 are known to be pathogenic (PMID: 10712197, 23913538).

Literature cited by the submitters: PubMed 10712197; PubMed 23913538.

NM_001042492.3(NF1):c.631_632dup (p.Val212fs)

Gene: NF1 (neurofibromin 1; plus strand). Cytogenetic location: 17q11.2.
Variant type: Duplication.
Coding change: c.631_632dup on transcript NM_001042492.3 (MANE Select); coding-DNA positions 631 to 632, 2 bases duplicated (GC; older notation c.631_632dupGC).
Protein change: p.Val212fs; shifts the reading frame from valine 212.
Molecular consequence: frameshift variant.
Genome position (GRCh38, 1-based): chr17:31,181,466-31,181,467, GC duplicated. VCF-style (leftmost placement, unchanged base first): chr17-31181465-A-AGC. GRCh37 (hg19) VCF-style: chr17-29508483-A-AGC.
Other names: c.631_632dup, p.Val212Glnfs (NM_000267.4); c.631_632dup, p.Val212fs (NM_001128147.3); short protein forms V212fs.
Identifiers: ClinVar variation 2981193 (VCV002981193.3), dbSNP rs2544747849, ClinGen allele CA2740095314.